The following is an entry in ClinVar:

NM_001379200.1(TBX1):c.772C>A (p.Arg258Ser)

Gene: TBX1 (T-box transcription factor 1; plus strand). Cytogenetic location: 22q11.21.
Variant type: single nucleotide variant.
Coding change: c.772C>A on transcript NM_001379200.1 (MANE Select); coding-DNA position 772, C replaced by A.
Protein change: p.Arg258Ser; replaces arginine 258 with serine.
Molecular consequence: missense variant.
Genome position (GRCh38, 1-based): chr22:19,765,018, C>A. VCF-style: chr22-19765018-C-A. GRCh37 (hg19) VCF-style: chr22-19752541-C-A.
Other names: c.745C>A, p.Arg249Ser (NM_005992.1, NM_080646.2, NM_080647.1); short protein forms R249S, R258S.
Identifiers: ClinVar variation 4689968 (VCV004689968.1).

ClinVar aggregate classification (germline): Uncertain significance (1 of 4 stars; one submission).

gnomAD v4.1: 1 of 1,614,178 alleles (0.000062%); highest among the groups gnomAD compares: Non-Finnish European, 0.000085%; no homozygotes.

Submission:

GeneDx
Classification: Uncertain significance. Last evaluated: 2025-07-31. Review status: criteria provided, single submitter. Criteria: GeneDx Variant Classification Process June 2021. Collection method: clinical testing. Allele origin: germline. Affected: yes.
Comment: In silico analysis supports that this missense variant has a deleterious effect on protein structure/function; Has not been previously published as pathogenic or benign to our knowledge